The following is an entry in ClinVar:

ClinVar aggregate classification (germline): Uncertain significance (1 of 4 stars; one submission).

Allele frequency attached by ClinVar (database versions not stated): gnomAD exomes below 0.00001.
gnomAD v4.1: 1 of 1,613,560 alleles (0.000062%); highest among the groups gnomAD compares: Non-Finnish European, 0.000085%; no homozygotes.

Submission:

Labcorp Genetics (formerly Invitae), Labcorp
Classification: Uncertain significance. Last evaluated: 2025-05-05. Review status: criteria provided, single submitter. Criteria: Invitae Variant Classification Sherloc (09022015). Collection method: clinical testing. Allele origin: germline.
Comment: This sequence change replaces proline, which is neutral and non-polar, with serine, which is neutral and polar, at codon 426 of the COL9A1 protein (p.Pro426Ser). This variant is not present in population databases (gnomAD no frequency). This variant has not been reported in the literature in individuals affected with COL9A1-related conditions. ClinVar contains an entry for this variant (Variation ID: 2006646). Invitae Evidence Modeling of protein sequence and biophysical properties (such as structural, functional, and spatial information, amino acid conservation, physicochemical variation, residue mobility, and thermodynamic stability) indicates that this missense variant is not expected to disrupt COL9A1 protein function with a negative predictive value of 95%. In summary, the available evidence is currently insufficient to determine the role of this variant in disease. Therefore, it has been classified as a Variant of Uncertain Significance.

NM_001851.6(COL9A1):c.1276C>T (p.Pro426Ser)

Gene: COL9A1 (collagen type IX alpha 1 chain; minus strand). Cytogenetic location: 6q13.
Variant type: single nucleotide variant.
Coding change: c.1276C>T on transcript NM_001851.6 (MANE Select); coding-DNA position 1276, C replaced by T.
Protein change: p.Pro426Ser; replaces proline 426 with serine.
Molecular consequence: missense variant. On other transcripts: non-coding transcript variant (1).
Genome position (GRCh38, 1-based): chr6:70,268,815, G>A on the plus strand (C>T on the coding strand, the complement: COL9A1 is on the minus strand). VCF-style: chr6-70268815-G-A. GRCh37 (hg19) VCF-style: chr6-70978518-G-A.
Other names: c.547C>T, p.Pro183Ser (NM_001377289.1, NM_001377290.1, NM_078485.4); short protein forms P183S, P426S.
Identifiers: ClinVar variation 2006646 (VCV002006646.4), dbSNP rs1398909340, ClinGen allele CA364680831.